The following is an entry in ClinVar:

NM_000266.3(NDP):c.-370T>G

Gene: NDP (norrin cystine knot growth factor NDP; minus strand). Cytogenetic location: Xp11.3.
Variant type: single nucleotide variant.
Coding change: c.-370T>G on transcript NM_000266.3; 370 bases upstream of the start codon, T replaced by G.
Genome position (GRCh38, 1-based): chrX:43,973,466, A>C on the plus strand (T>G on the coding strand, the complement: NDP is on the minus strand). VCF-style: chrX-43973466-A-C. GRCh37 (hg19) VCF-style: chrX-43832712-A-C.
Identifiers: ClinVar variation 3351324 (VCV003351324.2).

ClinVar aggregate classification (germline): Likely benign. Review status: criteria provided, single submitter (1 of 4 stars). 2 submissions from 2 submitters: Likely benign (1). 1 of the submissions does not count toward it. Last evaluated 2024-04-12.

Conditions:
NDP-related disorder. Also called: NDP-related condition.

Submissions (2):

Blueprint Genetics
Classification: Likely benign. Last evaluated: 2024-04-12. Review status: criteria provided, single submitter. Criteria: ACMG Guidelines, 2015. Collection method: clinical testing. Allele origin: germline.

PreventionGenetics, part of Exact Sciences
Classification: Likely benign for NDP-related condition. Last evaluated: 2024-09-24. Review status: no assertion criteria provided. Collection method: clinical testing. Allele origin: germline. Not counted in ClinVar's aggregate classification.
Comment: This variant is classified as likely benign based on ACMG/AMP sequence variant interpretation guidelines (Richards et al. 2015 PMID: 25741868, with internal and published modifications).